The following is an entry in ClinVar:

NM_000313.4(PROS1):c.76+1G>A

Gene: PROS1 (protein S; minus strand). Cytogenetic location: 3q11.1.
Variant type: single nucleotide variant.
Coding change: c.76+1G>A on transcript NM_000313.4 (MANE Select); the canonical splice donor site of the intron after coding-DNA position 76, G replaced by A.
Molecular consequence: splice donor variant.
Genome position (GRCh38, 1-based): chr3:93,973,673, C>T on the plus strand (G>A on the coding strand, the complement: PROS1 is on the minus strand). VCF-style: chr3-93973673-C-T. GRCh37 (hg19) VCF-style: chr3-93692517-C-T.
Other names: c.76+1G>A (NM_001314077.2).
Identifiers: ClinVar variation 1684339 (VCV001684339.1), dbSNP rs2107279041, ClinGen allele CA353674170.

ClinVar aggregate classification (germline): Likely pathogenic (0 of 4 stars; one submission).

Conditions:
Protein S deficiency disease. Also called: Protein S deficiency. Identifiers: MedGen C0242666, MeSH D018455, MONDO:0002304.

Submission:

ISTH-SSC Genomics in Thrombosis and Hemostasis, KU Leuven, Center for Molecular and Vascular Biology
Classification: Likely pathogenic for Protein S deficiency disease. Review status: no assertion criteria provided. Collection method: research. Allele origin: unknown. Affected: yes.
Comment: Submitted to GoldVariant by Dr Karyn Mégy from NIHR Bioresource - Cambridge University, UK